The following is an entry in ClinVar:

NM_001083962.2(TCF4):c.991-9T>A

Gene: TCF4 (transcription factor 4; minus strand). Cytogenetic location: 18q21.2.
Variant type: single nucleotide variant.
Coding change: c.991-9T>A on transcript NM_001083962.2 (MANE Select); 9 bases into the intron before coding-DNA position 991, T replaced by A.
Molecular consequence: intron variant.
Genome position (GRCh38, 1-based): chr18:55,260,036, A>T on the plus strand (T>A on the coding strand, the complement: TCF4 is on the minus strand). VCF-style: chr18-55260036-A-T. GRCh37 (hg19) VCF-style: chr18-52927267-A-T.
Other names: c.1297-9T>A (NM_001243226.3); c.916-9T>A (NM_001369584.1, NM_001369576.1, NM_001369585.1 and 3 more transcripts); c.919-9T>A (NM_001369577.1, NM_001369582.1, NM_001243227.2 and 9 more transcripts); c.991-9T>A (NM_001369571.1, NM_001369567.1, NM_001369572.1 and 4 more transcripts); c.1009-9T>A (NM_001243228.2); c.985-9T>A (NM_001243230.2); c.988-9T>A (NM_001369569.1, NM_001369573.1, NM_001369570.1); c.865-9T>A (NM_001243231.2, NM_001348211.2); and 4 more.
Identifiers: ClinVar variation 3903211 (VCV003903211.1).

ClinVar aggregate classification (germline): Uncertain significance (1 of 4 stars; one submission).

Submission:

GeneDx
Classification: Uncertain significance. Last evaluated: 2024-12-10. Review status: criteria provided, single submitter. Criteria: GeneDx Variant Classification Process June 2021. Collection method: clinical testing. Allele origin: germline. Affected: yes.
Comment: Not observed at significant frequency in large population cohorts (gnomAD); In silico analysis supports a deleterious effect on splicing; Has not been previously published as pathogenic or benign to our knowledge